The following is an entry in ClinVar:

NM_003200.5(TCF3):c.1414C>T (p.Leu472Phe)

Gene: TCF3 (transcription factor 3; minus strand). Cytogenetic location: 19p13.3.
Variant type: single nucleotide variant.
Coding change: c.1414C>T on transcript NM_003200.5 (MANE Select); coding-DNA position 1414, C replaced by T.
Protein change: p.Leu472Phe; replaces leucine 472 with phenylalanine.
Molecular consequence: missense variant.
Genome position (GRCh38, 1-based): chr19:1,619,147, G>A on the plus strand (C>T on the coding strand, the complement: TCF3 is on the minus strand). VCF-style: chr19-1619147-G-A. GRCh37 (hg19) VCF-style: chr19-1619146-G-A.
Other names: c.1414C>T, p.Leu472Phe (NM_001136139.4, NM_001351779.2); c.1411C>T, p.Leu471Phe (NM_001351778.2); short protein forms L471F, L472F.
Identifiers: ClinVar variation 1422130 (VCV001422130.8), dbSNP rs749908395, ClinGen allele CA9049866.

ClinVar aggregate classification (germline): Uncertain significance (1 of 4 stars; one submission).

Allele frequency attached by ClinVar (database versions not stated): gnomAD exomes below 0.00001; ExAC 0.00001; gnomAD 0.00002; TOPMed 0.00002.
gnomAD v4.1: 19 of 1,600,012 alleles (0.0012%); highest among the groups gnomAD compares: African/African-American, 0.004%; no homozygotes.

Submission:

Labcorp Genetics (formerly Invitae), Labcorp
Classification: Uncertain significance. Last evaluated: 2024-08-24. Review status: criteria provided, single submitter. Criteria: Invitae Variant Classification Sherloc (09022015). Collection method: clinical testing. Allele origin: germline.
Comment: This sequence change replaces leucine, which is neutral and non-polar, with phenylalanine, which is neutral and non-polar, at codon 472 of the TCF3 protein (p.Leu472Phe). The frequency data for this variant in the population databases is considered unreliable, as metrics indicate poor data quality at this position in the gnomAD database. This variant has not been reported in the literature in individuals affected with TCF3-related conditions. ClinVar contains an entry for this variant (Variation ID: 1422130). Invitae Evidence Modeling of protein sequence and biophysical properties (such as structural, functional, and spatial information, amino acid conservation, physicochemical variation, residue mobility, and thermodynamic stability) indicates that this missense variant is not expected to disrupt TCF3 protein function with a negative predictive value of 80%. In summary, the available evidence is currently insufficient to determine the role of this variant in disease. Therefore, it has been classified as a Variant of Uncertain Significance.